The following is an entry in ClinVar:

NM_002292.4(LAMB2):c.2270G>A (p.Ser757Asn)

Gene: LAMB2 (laminin subunit beta 2; minus strand). Cytogenetic location: 3p21.31.
Variant type: single nucleotide variant.
Coding change: c.2270G>A on transcript NM_002292.4 (MANE Select); coding-DNA position 2270, G replaced by A.
Protein change: p.Ser757Asn; replaces serine 757 with asparagine.
Molecular consequence: missense variant.
Genome position (GRCh38, 1-based): chr3:49,126,041, C>T on the plus strand (G>A on the coding strand, the complement: LAMB2 is on the minus strand). VCF-style: chr3-49126041-C-T. GRCh37 (hg19) VCF-style: chr3-49163474-C-T.
Other names: short protein forms S757N.
Identifiers: ClinVar variation 2005519 (VCV002005519.4), dbSNP rs753547303, ClinGen allele CA2394348.

ClinVar aggregate classification (germline): Uncertain significance (1 of 4 stars; one submission).

Conditions:
LAMB2-related infantile-onset nephrotic syndrome. Also called: Nephrotic Syndrome, type 5; NEPHROTIC SYNDROME, TYPE 5, WITHOUT OCULAR ABNORMALITIES; NEPHROTIC SYNDROME, TYPE 5, WITH OCULAR ABNORMALITIES. Identifiers: Orphanet 306507, MedGen C3280113, MONDO:0013621, OMIM 614199.
Pierson syndrome. Also called: MICROCORIA-CONGENITAL NEPHROTIC SYNDROME. Identifiers: Orphanet 2670, MedGen C1836876, MONDO:0012184, OMIM 609049.

Allele frequency attached by ClinVar (database versions not stated): gnomAD exomes below 0.00001; ExAC 0.00001.
gnomAD v4.1: 1 of 1,614,162 alleles (0.000062%); highest among the groups gnomAD compares: South Asian, 0.0011%; no homozygotes.

Submission:

Labcorp Genetics (formerly Invitae), Labcorp
Classification: Uncertain significance for LAMB2-related infantile-onset nephrotic syndrome; Pierson syndrome. Last evaluated: 2022-06-13. Review status: criteria provided, single submitter. Criteria: Invitae Variant Classification Sherloc (09022015). Collection method: clinical testing. Allele origin: germline.
Comment: This sequence change replaces serine, which is neutral and polar, with asparagine, which is neutral and polar, at codon 757 of the LAMB2 protein (p.Ser757Asn). This variant is present in population databases (rs753547303, gnomAD 0.003%). In summary, the available evidence is currently insufficient to determine the role of this variant in disease. Therefore, it has been classified as a Variant of Uncertain Significance. Algorithms developed to predict the effect of missense changes on protein structure and function (SIFT, PolyPhen-2, Align-GVGD) all suggest that this variant is likely to be tolerated. This variant has not been reported in the literature in individuals affected with LAMB2-related conditions.